The following is an entry in ClinVar:

NM_002087.4(GRN):c.1539C>T (p.His513=)

Gene: GRN (granulin precursor; plus strand). Cytogenetic location: 17q21.31.
Variant type: single nucleotide variant.
Coding change: c.1539C>T on transcript NM_002087.4 (MANE Select); coding-DNA position 1539, C replaced by T.
Protein change: p.His513=; no amino-acid change (histidine 513 retained).
Molecular consequence: synonymous variant.
Genome position (GRCh38, 1-based): chr17:44,352,466, C>T. VCF-style: chr17-44352466-C-T. GRCh37 (hg19) VCF-style: chr17-42429834-C-T.
Identifiers: ClinVar variation 1636270 (VCV001636270.34), dbSNP rs772977073, ClinGen allele CA8602232.
Genomic context (GRCh38, chr17:44,352,466, plus strand): 5'-ATCCTGCGAGAAGGAAGTGGTCTCTGCCCAGCCTGCCACCTTCCTGGCCCGTAGCCCTCA[C>T]GTGGGTGTGAAGGACGTGGAGTGTGGGGAAGGACACTTCTGCCATGATAACCAGACCTGC-3'
Protein context (NP_002078.1, residues 503-523): QPATFLARSP[His513=]VGVKDVECGE

ClinVar aggregate classification (germline): Likely benign. Review status: criteria provided, multiple submitters, no conflicts (2 of 4 stars). 3 submissions from 3 submitters: Likely benign (3). Last evaluated 2025-10-23.

Conditions:
Inborn genetic diseases. Identifiers: MedGen C0950123, MeSH D030342.
GRN-related frontotemporal lobar degeneration with Tdp43 inclusions (FTD2). Also called: DEMENTIA, HEREDITARY DYSPHASIC DISINHIBITION; FRONTOTEMPORAL LOBAR DEGENERATION WITH UBIQUITIN-POSITIVE INCLUSIONS; FTLD-TDP, GRN-RELATED; FRONTOTEMPORAL DEMENTIA WITH TDP43 INCLUSIONS, GRN-RELATED; GRN Frontotemporal Dementia. Identifiers: Orphanet 100070, Orphanet 282, MedGen C1843792, MONDO:0011842, OMIM 607485. Disease mechanism: loss of function.
Neuronal ceroid lipofuscinosis 11. Also called: GRN-Related Neuronal Ceroid-Lipofuscinosis. Identifiers: Orphanet 314629, Orphanet 79262, MedGen C3539123, MONDO:0013866, OMIM 614706.

Allele frequency attached by ClinVar (database versions not stated): gnomAD exomes 0.00003 and 0.00006; ExAC 0.00005; TOPMed 0.00011; gnomAD 0.00014.
gnomAD v4.1: 74 of 1,614,076 alleles (0.0046%); highest among the groups gnomAD compares: Admixed American, 0.027%; no homozygotes.

Submissions (3):

Labcorp Genetics (formerly Invitae), Labcorp
Classification: Likely benign for Neuronal ceroid lipofuscinosis 11; GRN-related frontotemporal lobar degeneration with Tdp43 inclusions. Last evaluated: 2025-10-23. Review status: criteria provided, single submitter. Criteria: Invitae Variant Classification Sherloc (09022015). Collection method: clinical testing. Allele origin: germline.

CeGaT Center for Human Genetics Tuebingen
Classification: Likely benign. Last evaluated: 2022-07-01. Review status: criteria provided, single submitter. Criteria: CeGaT Center For Human Genetics Tuebingen Variant Classification Criteria Version 2. Collection method: clinical testing. Allele origin: germline. Affected: yes. Observed: 1 variant allele.
Comment: GRN: BP4, BP7

Ambry Genetics
Classification: Likely benign for Inborn genetic diseases. Last evaluated: 2017-06-21. Review status: criteria provided, single submitter. Criteria: Ambry Variant Classification Scheme 2023. Collection method: clinical testing. Allele origin: germline.